The following is an entry in ClinVar:

ClinVar aggregate classification (germline): Benign. Review status: criteria provided, multiple submitters, no conflicts (2 of 4 stars). 3 submissions from 3 submitters: Benign (2). 1 of the submissions does not count toward it. Last evaluated 2025-07-24.

Conditions:
KSR2-related disorder. Also called: KSR2-related condition.

Allele frequency attached by ClinVar (database versions not stated): TOPMed 0.00206; ESP Exome Variant Server 0.00222; 1000 Genomes Project 0.00280; gnomAD exomes 0.00298 and 0.00443; 1000 Genomes Project 30x 0.00312; gnomAD 0.00388 and 0.00393; ExAC 0.00455.
gnomAD v4.1: 4,933 of 1,610,290 alleles (0.31%); highest among the groups gnomAD compares: Non-Finnish European, 0.23%; 36 homozygotes.

Submissions (3):

Labcorp Genetics (formerly Invitae), Labcorp
Classification: Benign. Last evaluated: 2025-07-24. Review status: criteria provided, single submitter. Criteria: Invitae Variant Classification Sherloc (09022015). Collection method: clinical testing. Allele origin: germline.

Breakthrough Genomics
Classification: Benign. Review status: criteria provided, single submitter. Criteria: ACMG Guidelines, 2015. Collection method: not provided. Allele origin: germline. Inheritance: Unknown mechanism. Affected: yes.

PreventionGenetics, part of Exact Sciences
Classification: Benign for KSR2-related condition. Last evaluated: 2019-05-10. Review status: no assertion criteria provided. Collection method: clinical testing. Allele origin: germline. Not counted in ClinVar's aggregate classification.
Comment: This variant is classified as benign based on ACMG/AMP sequence variant interpretation guidelines (Richards et al. 2015 PMID: 25741868, with internal and published modifications).

NM_173598.6(KSR2):c.1172-10C>T

Gene: KSR2 (kinase suppressor of ras 2; minus strand). Cytogenetic location: 12q24.22.
Variant type: single nucleotide variant.
Coding change: c.1172-10C>T on transcript NM_173598.6 (MANE Select); 10 bases into the intron before coding-DNA position 1172, C replaced by T.
Genome position (GRCh38, 1-based): chr12:117,582,369, G>A on the plus strand (C>T on the coding strand, the complement: KSR2 is on the minus strand). VCF-style: chr12-117582369-G-A. GRCh37 (hg19) VCF-style: chr12-118020174-G-A.
Identifiers: ClinVar variation 710650 (VCV000710650.12), dbSNP rs182412626, ClinGen allele CA6816111.
Genomic context (GRCh38, chr12:117,582,369, plus strand): 5'-CGAGATCTCTGCGAGGGATCTGCGGGGACCAGCGTGGCACTGACAGTGTGTCTACAGAGA[G>A]AAGAGAACAGCCTGTTACACAGAGGGTCAGAGACTGGGGTGGGCTCTGGCAAGGCCTGGA-3'